The following is an entry in ClinVar:

ClinVar aggregate classification (germline): Benign. Review status: criteria provided, multiple submitters, no conflicts (2 of 4 stars). 2 submissions from 2 submitters: Benign (2). Last evaluated 2019-12-31.

Conditions:
Long QT syndrome (LQTS). Identifiers: MedGen C0023976, MeSH D008133, MONDO:0002442. Disease mechanism: loss of function. Inheritance: Various modes of inheritance.

Allele frequency attached by ClinVar (database versions not stated): TOPMed 0.39490; 1000 Genomes Project 30x 0.44035; 1000 Genomes Project 0.45327.
gnomAD v4.1: 59,754 of 152,016 alleles (39%); highest among the groups gnomAD compares: East Asian, 74%; 12,868 homozygotes.

Submissions (2):

Labcorp Genetics (formerly Invitae), Labcorp
Classification: Benign for Long QT syndrome. Last evaluated: 2019-12-31. Review status: criteria provided, single submitter. Criteria: Invitae Variant Classification Sherloc (09022015). Collection method: clinical testing. Allele origin: germline.

GeneDx
Classification: Benign. Last evaluated: 2018-06-19. Review status: criteria provided, single submitter. Criteria: GeneDx Variant Classification (06012015). Collection method: clinical testing. Allele origin: germline. Affected: yes.
Comment: This variant is considered likely benign or benign based on one or more of the following criteria: it is a conservative change, it occurs at a poorly conserved position in the protein, it is predicted to be benign by multiple in silico algorithms, and/or has population frequency not consistent with disease.

NM_000719.7(CACNA1C):c.758-259A>C

Gene: CACNA1C (calcium voltage-gated channel subunit alpha1 C; plus strand). Cytogenetic location: 12p13.33.
Variant type: single nucleotide variant.
Coding change: c.758-259A>C on transcript NM_000719.7 (MANE Select); 259 bases into the intron before coding-DNA position 758, A replaced by C.
Molecular consequence: intron variant.
Genome position (GRCh38, 1-based): chr12:2,485,845, A>C. VCF-style: chr12-2485845-A-C. GRCh37 (hg19) VCF-style: chr12-2595011-A-C.
Other names: c.758-259A>C (NM_001167624.3, NM_001167623.2, NM_001167625.2 and 19 more transcripts).
Identifiers: ClinVar variation 683274 (VCV000683274.5), dbSNP rs887001, ClinGen allele CA15759898.